The following is an entry in ClinVar:

ClinVar aggregate classification (germline): Uncertain significance (1 of 4 stars; one submission).

Conditions:
Inborn genetic diseases. Identifiers: MedGen C0950123, MeSH D030342.

Submission:

Ambry Genetics
Classification: Uncertain significance for Inborn genetic diseases. Last evaluated: 2024-05-22. Review status: criteria provided, single submitter. Criteria: Ambry Variant Classification Scheme 2023. Collection method: clinical testing. Allele origin: germline.
Comment: The p.A906V variant (also known as c.2717C>T), located in coding exon 21 of the BUB1B gene, results from a C to T substitution at nucleotide position 2717. The alanine at codon 906 is replaced by valine, an amino acid with similar properties. This amino acid position is conserved. In addition, this alteration is predicted to be tolerated by in silico analysis. Based on the available evidence, the clinical significance of this variant remains unclear.

NM_001211.6(BUB1B):c.2717C>T (p.Ala906Val)

Genes: BUB1B (BUB1 mitotic checkpoint serine/threonine kinase B; plus strand), BUB1B-PAK6 (BUB1B-PAK6 readthrough; plus strand). Cytogenetic location: 15q15.1.
Variant type: single nucleotide variant.
Coding change: c.2717C>T on transcript NM_001211.6 (MANE Select); coding-DNA position 2717, C replaced by T.
Protein change: p.Ala906Val; replaces alanine 906 with valine.
Molecular consequence: missense variant. On other transcripts: 5 prime UTR variant (2).
Genome position (GRCh38, 1-based): chr15:40,217,534, C>T. VCF-style: chr15-40217534-C-T. GRCh37 (hg19) VCF-style: chr15-40509735-C-T.
Other names: c.-334C>T (NM_001128628.3); c.-251C>T (NM_001128629.3); short protein forms A906V.
Identifiers: ClinVar variation 3262266 (VCV003262266.1).